The following is an entry in ClinVar:

ClinVar aggregate classification (germline): Uncertain significance. Review status: criteria provided, multiple submitters, no conflicts (2 of 4 stars). 2 submissions from 2 submitters: Uncertain significance (2). Last evaluated 2023-02-15.

Conditions:
Multiple sulfatase deficiency (MSD). Also called: Mucosulfatidosis; Multiple Sulfatase Deficiency Disease; Sulfatidosis, Juvenile, Austin Type. Identifiers: Orphanet 585, MedGen C0268263, MONDO:0010088, OMIM 272200.
Inborn genetic diseases. Identifiers: MedGen C0950123, MeSH D030342.

gnomAD v4.1: 36 of 1,613,872 alleles (0.0022%); highest among the groups gnomAD compares: South Asian, 0.019%; no homozygotes.

Submissions (2):

Ambry Genetics
Classification: Uncertain significance for Inborn genetic diseases. Last evaluated: 2023-02-15. Review status: criteria provided, single submitter. Criteria: Ambry Variant Classification Scheme 2023. Collection method: clinical testing. Allele origin: germline.

Labcorp Genetics (formerly Invitae), Labcorp
Classification: Uncertain significance for Multiple sulfatase deficiency. Last evaluated: 2022-01-17. Review status: criteria provided, single submitter. Criteria: Invitae Variant Classification Sherloc (09022015). Collection method: clinical testing. Allele origin: germline.
Comment: This sequence change replaces arginine, which is basic and polar, with glutamine, which is neutral and polar, at codon 236 of the SUMF1 protein (p.Arg236Gln). This variant is present in population databases (rs768700845, gnomAD 0.02%). This variant has not been reported in the literature in individuals affected with SUMF1-related conditions. Algorithms developed to predict the effect of missense changes on protein structure and function (SIFT, PolyPhen-2, Align-GVGD) all suggest that this variant is likely to be disruptive. In summary, the available evidence is currently insufficient to determine the role of this variant in disease. Therefore, it has been classified as a Variant of Uncertain Significance.

NM_182760.4(SUMF1):c.707G>A (p.Arg236Gln)

Gene: SUMF1 (sulfatase modifying factor 1; minus strand). Cytogenetic location: 3p26.1.
Variant type: single nucleotide variant.
Coding change: c.707G>A on transcript NM_182760.4 (MANE Select); coding-DNA position 707, G replaced by A.
Protein change: p.Arg236Gln; replaces arginine 236 with glutamine.
Molecular consequence: missense variant.
Genome position (GRCh38, 1-based): chr3:4,418,028, C>T on the plus strand (G>A on the coding strand, the complement: SUMF1 is on the minus strand). VCF-style: chr3-4418028-C-T. GRCh37 (hg19) VCF-style: chr3-4459712-C-T.
Other names: c.632G>A, p.Arg211Gln (NM_001164674.2); c.707G>A, p.Arg236Gln (NM_001164675.2); c.707G>A (NM_182760.3); short protein forms R211Q, R236Q.
Identifiers: ClinVar variation 1483448 (VCV001483448.6), dbSNP rs768700845, ClinGen allele CA2230494.